The following is an entry in ClinVar:

ClinVar aggregate classification (germline): Uncertain significance. Review status: criteria provided, multiple submitters, no conflicts (2 of 4 stars). 6 submissions from 6 submitters: Uncertain significance (4). 2 of the submissions do not count toward it. Last evaluated 2025-03-12.

Conditions:
Gastric cancer. Also called: Stomach cancer; Malignant tumor of stomach. Identifiers: MedGen C0024623, MeSH D013274, MONDO:0001056, OMIM 613659, HP:0012126.
Autosomal recessive nonsyndromic hearing loss 77. Identifiers: Orphanet 90636, MedGen C2746083, MONDO:0013119, OMIM 613079.

Allele frequency attached by ClinVar (database versions not stated): gnomAD exomes 0.00002 and 0.00004; TOPMed 0.00003; gnomAD 0.00002 and 0.00005.

Submissions (6):

Mayo Clinic Laboratories, Mayo Clinic
Classification: Uncertain significance. Last evaluated: 2025-03-12. Review status: criteria provided, single submitter. Criteria: ACMG Guidelines, 2015. Collection method: clinical testing. Allele origin: germline. Observed: 1 variant allele.
Comment: PM2_supporting

Women's Health and Genetics/Laboratory Corporation of America, LabCorp
Classification: Uncertain significance. Last evaluated: 2024-09-25. Review status: criteria provided, single submitter. Criteria: LabCorp Variant Classification Summary - May 2015. Collection method: clinical testing. Allele origin: germline.
Comment: Variant summary: LOXHD1 c.4814T>C (p.Met1605Thr) results in a non-conservative amino acid change in the encoded protein sequence. Three of five in-silico tools predict a damaging effect of the variant on protein function. The variant allele was found at a frequency of 3.8e-05 in 158152 control chromosomes (gnomAD). c.4814T>C has been reported in the literature in individuals affected with Nonsyndromic Hearing Loss And Deafness, Type 77 (Chai_2014, Yu_2021, Ma_2023). These data indicate that the variant may be associated with disease. To our knowledge, no experimental evidence demonstrating an impact on protein function has been reported. The following publications have been ascertained in the context of this evaluation (PMID: 24654934, 30826590, 36597107, 29554876, 35711932, 33892339). ClinVar contains an entry for this variant (Variation ID: 982256). Based on the evidence outlined above, the variant was classified as VUS-possibly pathogenic.

Blueprint Genetics
Classification: Uncertain significance. Last evaluated: 2024-02-19. Review status: criteria provided, single submitter. Criteria: ACMG Guidelines, 2015. Collection method: clinical testing. Allele origin: germline.

Labcorp Genetics (formerly Invitae), Labcorp
Classification: Uncertain significance. Last evaluated: 2022-09-07. Review status: criteria provided, single submitter. Criteria: Invitae Variant Classification Sherloc (09022015). Collection method: clinical testing. Allele origin: germline.
Comment: This sequence change replaces methionine, which is neutral and non-polar, with threonine, which is neutral and polar, at codon 1605 of the LOXHD1 protein (p.Met1605Thr). This variant is present in population databases (no rsID available, gnomAD 0.06%). This missense change has been observed in individual(s) with deafness (PMID: 33892339). ClinVar contains an entry for this variant (Variation ID: 982256). Algorithms developed to predict the effect of missense changes on protein structure and function are either unavailable or do not agree on the potential impact of this missense change (SIFT: "Tolerated"; PolyPhen-2: "Possibly Damaging"; Align-GVGD: "Class C0"). In summary, the available evidence is currently insufficient to determine the role of this variant in disease. Therefore, it has been classified as a Variant of Uncertain Significance.

Hdge Lab, Department of Biotechnology, Mizoram University
Classification: association for Gastric cancer. Last evaluated: 2026-03-26. Review status: no assertion criteria provided. Collection method: case-control. Allele origin: germline. Affected: yes. Observed: 3 variant alleles. Not counted in ClinVar's aggregate classification.
Comment: Variant identified in a case-control study of gastric cancer. Allele frequencies were compared between cases and controls. Although an increased odds ratio was observed (OR=1.393, 95% CI=0.138-14.039) This variant is classified as "association" based on preliminary case-control evidence.

Center for Molecular Medicine, Children’s Hospital of Fudan University
Classification: Uncertain significance for Autosomal recessive nonsyndromic hearing loss 77. Last evaluated: 2020-09-30. Review status: no assertion criteria provided. Collection method: clinical testing. Allele origin: maternal. Affected: yes. Not counted in ClinVar's aggregate classification.

Literature cited by the submitters: PubMed 33892339 (cited by 3 submitters); PubMed 30826590 (cited by Women's Health and Genetics/Laboratory Corporation of America, LabCorp); PubMed 35711932 (cited by Women's Health and Genetics/Laboratory Corporation of America, LabCorp); PubMed 36597107 (cited by Women's Health and Genetics/Laboratory Corporation of America, LabCorp); PubMed 29554876 (cited by Women's Health and Genetics/Laboratory Corporation of America, LabCorp); PubMed 24654934 (cited by Women's Health and Genetics/Laboratory Corporation of America, LabCorp).

NM_001384474.1(LOXHD1):c.4814T>C (p.Met1605Thr)

Gene: LOXHD1 (lipoxygenase homology PLAT domains 1; minus strand). Cytogenetic location: 18q21.1.
Variant type: single nucleotide variant.
Coding change: c.4814T>C on transcript NM_001384474.1 (MANE Select); coding-DNA position 4814, T replaced by C.
Protein change: p.Met1605Thr; replaces methionine 1605 with threonine.
Molecular consequence: missense variant.
Genome position (GRCh38, 1-based): chr18:46,524,528, A>G on the plus strand (T>C on the coding strand, the complement: LOXHD1 is on the minus strand). VCF-style: chr18-46524528-A-G. GRCh37 (hg19) VCF-style: chr18-44104491-A-G.
Other names: p.Met1605Thr; c.1481T>C, p.Met494Thr (NM_001145472.3); c.1193T>C, p.Met398Thr (NM_001308013.2); c.4814T>C, p.Met1605Thr (NM_144612.7); short protein forms M1605T, M398T, M494T.
Identifiers: ClinVar variation 982256 (VCV000982256.10), dbSNP rs922663658, ClinGen allele CA299801731.